The following is an entry in ClinVar:

NM_006885.4(ZFHX3):c.1497G>C (p.Leu499Phe)

Gene: ZFHX3 (zinc finger homeobox 3; minus strand). Cytogenetic location: 16q22.3.
Variant type: single nucleotide variant.
Coding change: c.1497G>C on transcript NM_006885.4 (MANE Select); coding-DNA position 1497, G replaced by C.
Protein change: p.Leu499Phe; replaces leucine 499 with phenylalanine.
Molecular consequence: missense variant. On other transcripts: intron variant (1).
Genome position (GRCh38, 1-based): chr16:72,958,649, C>G on the plus strand (G>C on the coding strand, the complement: ZFHX3 is on the minus strand). VCF-style: chr16-72958649-C-G. GRCh37 (hg19) VCF-style: chr16-72992548-C-G.
Other names: c.1497G>C, p.Leu499Phe (NM_001386735.1); c.-23-7684G>C (NM_001164766.2); short protein forms L499F.
Identifiers: ClinVar variation 4071934 (VCV004071934.1).

ClinVar aggregate classification (germline): Uncertain significance (1 of 4 stars; one submission).

Submission:

GeneDx
Classification: Uncertain significance. Last evaluated: 2025-01-28. Review status: criteria provided, single submitter. Criteria: GeneDx Variant Classification Process June 2021. Collection method: clinical testing. Allele origin: germline. Affected: yes.
Comment: Not observed at significant frequency in large population cohorts (gnomAD); In silico analysis indicates that this missense variant does not alter protein structure/function; Has not been previously published as pathogenic or benign to our knowledge